The following is an entry in ClinVar:

NM_020937.4(FANCM):c.3663T>C (p.Phe1221=)

Gene: FANCM (FA complementation group M; plus strand). Cytogenetic location: 14q21.2.
Variant type: single nucleotide variant.
Coding change: c.3663T>C on transcript NM_020937.4 (MANE Select); coding-DNA position 3663, T replaced by C.
Protein change: p.Phe1221=; no amino-acid change (phenylalanine 1221 retained).
Molecular consequence: synonymous variant.
Genome position (GRCh38, 1-based): chr14:45,176,417, T>C. VCF-style: chr14-45176417-T-C. GRCh37 (hg19) VCF-style: chr14-45645620-T-C.
Other names: c.3663T>C (NM_020937.3); c.3585T>C, p.Phe1195= (NM_001308133.2).
Identifiers: ClinVar variation 754131 (VCV000754131.16), dbSNP rs772996800, ClinGen allele CA7169550.
Genomic context (GRCh38, chr14:45,176,417, plus strand): 5'-TAAATCTCGTGATCAGAGAGGTGTACAGGAAGAAAAAGTGAAGAATCATGAGGATATTTT[T>C]GATTGCTCTAGGGATTTATTTTCTGTTACCTTTGATTTAGGATTCTGTAGTCCAGATTCT-3'
Protein context (NP_065988.1, residues 1211-1231): EEKVKNHEDI[Phe1221=]DCSRDLFSVT

ClinVar aggregate classification (germline): Conflicting classifications of pathogenicity. Review status: criteria provided, conflicting classifications (1 of 4 stars). 6 submissions from 6 submitters: Uncertain significance (1); Likely benign (4). 1 of the submissions does not count toward it. Last evaluated 2025-07-07.

Conditions:
Fanconi anemia (FA). Also called: Fanconi's anemia. Identifiers: Orphanet 84, MedGen C0015625, MeSH D005199, MONDO:0019391.
Inborn genetic diseases. Identifiers: MedGen C0950123, MeSH D030342.
FANCM-related disorder. Also called: FANCM-related condition.

Allele frequency attached by ClinVar (database versions not stated): gnomAD below 0.00001 and 0.00002; TOPMed below 0.00001; gnomAD exomes 0.00007 and 0.00014; ExAC 0.00014.
gnomAD v4.1: 106 of 1,613,122 alleles (0.0066%); highest among the groups gnomAD compares: South Asian, 0.11%; 2 homozygotes.

Submissions (6):

Labcorp Genetics (formerly Invitae), Labcorp
Classification: Likely benign for Fanconi anemia. Last evaluated: 2025-07-07. Review status: criteria provided, single submitter. Criteria: Invitae Variant Classification Sherloc (09022015). Collection method: clinical testing. Allele origin: germline.

Ambry Genetics
Classification: Likely benign for Inborn genetic diseases. Last evaluated: 2024-10-02. Review status: criteria provided, single submitter. Criteria: Ambry Variant Classification Scheme 2023. Collection method: clinical testing. Allele origin: germline.

Blueprint Genetics
Classification: Likely benign. Last evaluated: 2023-08-14. Review status: criteria provided, single submitter. Criteria: ACMG Guidelines, 2015. Collection method: clinical testing. Allele origin: germline.

Quest Diagnostics Nichols Institute San Juan Capistrano
Classification: Likely benign. Last evaluated: 2022-12-23. Review status: criteria provided, single submitter. Criteria: Quest Diagnostics criteria. Collection method: clinical testing. Allele origin: unknown.

GeneDx
Classification: Uncertain significance. Last evaluated: 2022-10-20. Review status: criteria provided, single submitter. Criteria: GeneDx Variant Classification Process June 2021. Collection method: clinical testing. Allele origin: germline. Affected: yes.
Comment: In silico analysis supports that this variant does not alter splicing; Has not been previously published as pathogenic or benign to our knowledge

PreventionGenetics, part of Exact Sciences
Classification: Likely benign for FANCM-related condition. Last evaluated: 2024-04-01. Review status: no assertion criteria provided. Collection method: clinical testing. Allele origin: germline. Not counted in ClinVar's aggregate classification.
Comment: This variant is classified as likely benign based on ACMG/AMP sequence variant interpretation guidelines (Richards et al. 2015 PMID: 25741868, with internal and published modifications).